The following is an entry in ClinVar:

NM_001035.3(RYR2):c.464-12G>T

Gene: RYR2 (ryanodine receptor 2; plus strand). Cytogenetic location: 1q43.
Variant type: single nucleotide variant.
Coding change: c.464-12G>T on transcript NM_001035.3 (MANE Select); 12 bases into the intron before coding-DNA position 464, G replaced by T.
Molecular consequence: intron variant.
Genome position (GRCh38, 1-based): chr1:237,377,311, G>T. VCF-style: chr1-237377311-G-T. GRCh37 (hg19) VCF-style: chr1-237540611-G-T.
Identifiers: ClinVar variation 918327 (VCV000918327.12), dbSNP rs766779504, ClinGen allele CA913187562.

ClinVar aggregate classification (germline): Likely benign. Review status: criteria provided, multiple submitters, no conflicts (2 of 4 stars). 3 submissions from 3 submitters: Likely benign (3). Last evaluated 2025-12-22.

Conditions:
Catecholaminergic polymorphic ventricular tachycardia (CVPT). Also called: Catecholamine-induced polymorphic ventricular tachycardia. Identifiers: Orphanet 3286, MedGen C5574922, MONDO:0017990.
Cardiomyopathy (CMYO). Also called: Cardiomyopathies. Identifiers: Orphanet 167848, MedGen C0878544, MONDO:0004994, HP:0001638. Inheritance: Various modes of inheritance.
Catecholaminergic polymorphic ventricular tachycardia 1. Also called: VENTRICULAR TACHYCARDIA, CATECHOLAMINERGIC POLYMORPHIC, 1, WITH OR WITHOUT ATRIAL DYSFUNCTION AND/OR DILATED CARDIOMYOPATHY; RYR2-Related Catecholaminergic Polymorphic Ventricular Tachycardia; VENTRICULAR TACHYCARDIA, STRESS-INDUCED POLYMORPHIC 1. Identifiers: Orphanet 3286, MedGen C1631597, MONDO:0011484, OMIM 604772.

Submissions (3):

Labcorp Genetics (formerly Invitae), Labcorp
Classification: Likely benign for Catecholaminergic polymorphic ventricular tachycardia 1. Last evaluated: 2025-12-22. Review status: criteria provided, single submitter. Criteria: Invitae Variant Classification Sherloc (09022015). Collection method: clinical testing. Allele origin: germline.

All of Us Research Program, National Institutes of Health
Classification: Likely benign for Catecholaminergic polymorphic ventricular tachycardia. Last evaluated: 2024-06-09. Review status: criteria provided, single submitter. Criteria: ACMG Guidelines, 2015. Collection method: clinical testing. Allele origin: germline. Inheritance: Autosomal dominant inheritance. Observed: 3 variant alleles, 3 heterozygotes.
Comment: This study involves interpretation of variants in research participants for the purpose of population health screening. Participant phenotype was not available at the time of variant classification. Additional details can be found in publication PMID: 35346344, PMCID: PMC8962531

Color Diagnostics, LLC DBA Color Health
Classification: Likely benign for Cardiomyopathy. Last evaluated: 2018-11-16. Review status: criteria provided, single submitter. Criteria: ACMG Guidelines, 2015. Collection method: clinical testing. Allele origin: germline.